The following is an entry in ClinVar:

NM_025233.7(COASY):c.1302+7A>G

Gene: COASY (Coenzyme A synthase; plus strand). Cytogenetic location: 17q21.2.
Variant type: single nucleotide variant.
Coding change: c.1302+7A>G on transcript NM_025233.7 (MANE Select); 7 bases into the intron after coding-DNA position 1302, A replaced by G.
Molecular consequence: intron variant.
Genome position (GRCh38, 1-based): chr17:42,565,054, A>G. VCF-style: chr17-42565054-A-G. GRCh37 (hg19) VCF-style: chr17-40717072-A-G.
Other names: c.1389+7A>G (NM_001042532.4); c.1302+7A>G (NM_001042529.3).
Identifiers: ClinVar variation 382978 (VCV000382978.10), dbSNP rs368716842, ClinGen allele CA8578252.

ClinVar aggregate classification (germline): Likely benign. Review status: criteria provided, multiple submitters, no conflicts (2 of 4 stars). 3 submissions from 3 submitters: Likely benign (3). Last evaluated 2025-12-30.

Conditions:
Neurodegeneration with brain iron accumulation 6 (NBIA6). Also called: COASY protein-associated neurodegeneration. Identifiers: Orphanet 397725, MedGen C4517377, MONDO:0014290, OMIM 615643.

Allele frequency attached by ClinVar (database versions not stated): ExAC 0.00010; gnomAD 0.00011; gnomAD exomes 0.00012; TOPMed 0.00016; ESP Exome Variant Server 0.00031.
gnomAD v4.1: 274 of 1,613,908 alleles (0.017%); highest among the groups gnomAD compares: Middle Eastern, 0.082%; no homozygotes.

Submissions (3):

Labcorp Genetics (formerly Invitae), Labcorp
Classification: Likely benign for Neurodegeneration with brain iron accumulation 6. Last evaluated: 2025-12-30. Review status: criteria provided, single submitter. Criteria: Invitae Variant Classification Sherloc (09022015). Collection method: clinical testing. Allele origin: germline.

Blueprint Genetics
Classification: Likely benign. Last evaluated: 2024-07-11. Review status: criteria provided, single submitter. Criteria: ACMG Guidelines, 2015. Collection method: clinical testing. Allele origin: germline.

GeneDx
Classification: Likely benign. Last evaluated: 2017-08-10. Review status: criteria provided, single submitter. Criteria: GeneDx Variant Classification (06012015). Collection method: clinical testing. Allele origin: germline. Affected: yes.
Comment: This variant is considered likely benign or benign based on one or more of the following criteria: it is a conservative change, it occurs at a poorly conserved position in the protein, it is predicted to be benign by multiple in silico algorithms, and/or has population frequency not consistent with disease.